The following is an entry in ClinVar:

ClinVar aggregate classification (germline): Uncertain significance (1 of 4 stars; one submission).

Conditions:
Familial thoracic aortic aneurysm and aortic dissection (TAAD). Also called: Thoracic aortic aneurysms and dissections. Identifiers: Orphanet 91387, MedGen C4707243, MONDO:0019625.

Submission:

Color Diagnostics, LLC DBA Color Health
Classification: Uncertain significance for Familial thoracic aortic aneurysm and aortic dissection. Last evaluated: 2025-11-17. Review status: criteria provided, single submitter. Criteria: ACMG Guidelines, 2015. Collection method: clinical testing. Allele origin: germline.
Comment: This missense variant replaces threonine with isoleucine at codon 47 of the TGFBR1 protein. Computational prediction suggests that this variant may not impact protein structure and function. To our knowledge, functional studies have not been reported for this variant. This variant has not been reported in individuals affected with TGFBR1-related disorders in the literature. This variant has not been identified in the general population by the Genome Aggregation Database (gnomAD). The available evidence is insufficient to determine the role of this variant in disease conclusively. Therefore, this variant is classified as a Variant of Uncertain Significance.

NM_004612.4(TGFBR1):c.140C>T (p.Thr47Ile)

Gene: TGFBR1 (transforming growth factor beta receptor 1; plus strand). Cytogenetic location: 9q22.33.
Variant type: single nucleotide variant.
Coding change: c.140C>T on transcript NM_004612.4 (MANE Select); coding-DNA position 140, C replaced by T.
Protein change: p.Thr47Ile; replaces threonine 47 with isoleucine.
Molecular consequence: missense variant. On other transcripts: 5 prime UTR variant (15), non-coding transcript variant (4), intron variant (3).
Genome position (GRCh38, 1-based): chr9:99,128,897, C>T. VCF-style: chr9-99128897-C-T. GRCh37 (hg19) VCF-style: chr9-101891179-C-T.
Other names: c.-68C>T (NM_001407425.1, NM_001407426.1, NM_001407427.1 and 12 more transcripts); c.140C>T, p.Thr47Ile (NM_001407435.1, NM_001130916.3, NM_001306210.2 and 2 more transcripts); c.98-3612C>T (NM_001407436.1); c.98-8962C>T (NM_001407438.1); c.98-13639C>T (NM_001407437.1); short protein forms T47I.
Identifiers: ClinVar variation 4758661 (VCV004758661.1).